The following is an entry in ClinVar:

ClinVar aggregate classification (germline): Uncertain significance (1 of 4 stars; one submission).

Submission:

CeGaT Center for Human Genetics Tuebingen
Classification: Uncertain significance. Last evaluated: 2024-09-01. Review status: criteria provided, single submitter. Criteria: CeGaT Center For Human Genetics Tuebingen Variant Classification Criteria Version 2. Collection method: clinical testing. Allele origin: germline. Affected: yes. Observed: 1 variant allele.
Comment: PHIP: PM2, BP4

NM_017934.7(PHIP):c.3403A>G (p.Thr1135Ala)

Genes: IRAK1BP1 (interleukin 1 receptor associated kinase 1 binding protein 1; plus strand), PHIP (PHIP subunit of CUL4-Ring ligase complex; minus strand). Cytogenetic location: 6q14.1.
Variant type: single nucleotide variant.
Coding change: c.3403A>G on transcript NM_017934.7 (MANE Select); coding-DNA position 3403, A replaced by G.
Protein change: p.Thr1135Ala; replaces threonine 1135 with alanine.
Molecular consequence: missense variant.
Genome position (GRCh38, 1-based): chr6:78,963,229, T>C on the plus strand (A>G on the coding strand, the complement: PHIP is on the minus strand). VCF-style: chr6-78963229-T-C. GRCh37 (hg19) VCF-style: chr6-79672946-T-C.
Other names: short protein forms T1135A.
Identifiers: ClinVar variation 3389725 (VCV003389725.14).
Genomic context (GRCh38, chr6:78,963,229, plus strand): 5'-CTCCATCAAGAGGTTTATAGATTAGTGATCTGCACTCACCATCAGTTAAAGGAACACTGG[T>C]ACCTAGTTCTTCAGGAAATACAGCTGAAATAGAAAAGCAGATCATTGCAAATACATGGTA-3'
Protein context (NP_060404.4, residues 1125-1145): NNAVFPEELG[Thr1135Ala]SVPLTDGECR